The following is an entry in ClinVar:

ClinVar aggregate classification (germline): Uncertain significance (1 of 4 stars; one submission).

Submission:

Labcorp Genetics (formerly Invitae), Labcorp
Classification: Uncertain significance. Last evaluated: 2025-09-24. Review status: criteria provided, single submitter. Criteria: Invitae Variant Classification Sherloc (09022015). Collection method: clinical testing. Allele origin: germline.
Comment: This sequence change replaces serine, which is neutral and polar, with arginine, which is basic and polar, at codon 1514 of the COL4A5 protein (p.Ser1514Arg). This variant is not present in population databases (gnomAD no frequency). This variant has not been reported in the literature in individuals affected with COL4A5-related conditions. Invitae Evidence Modeling of protein sequence and biophysical properties (such as structural, functional, and spatial information, amino acid conservation, physicochemical variation, residue mobility, and thermodynamic stability) indicates that this missense variant is not expected to disrupt COL4A5 protein function with a negative predictive value of 95%. In summary, the available evidence is currently insufficient to determine the role of this variant in disease. Therefore, it has been classified as a Variant of Uncertain Significance.

NM_033380.3(COL4A5):c.4560T>A (p.Ser1520Arg)

Gene: COL4A5 (collagen type IV alpha 5 chain; plus strand). Cytogenetic location: Xq22.3.
Variant type: single nucleotide variant.
Coding change: c.4560T>A on transcript NM_033380.3 (MANE Select); coding-DNA position 4560, T replaced by A.
Protein change: p.Ser1520Arg; replaces serine 1520 with arginine.
Molecular consequence: missense variant.
Genome position (GRCh38, 1-based): chrX:108,692,779, T>A. VCF-style: chrX-108692779-T-A. GRCh37 (hg19) VCF-style: chrX-107936009-T-A.
Other names: c.4542T>A, p.Ser1514Arg (NM_000495.5); short protein forms S1514R, S1520R.
Identifiers: ClinVar variation 4802191 (VCV004802191.1).
Genomic context (GRCh38, chrX:108,692,779, plus strand): 5'-TTTACTGTTTTCTCTCCAAATCTTTCTAGGGACGGCTGGCAGCTGCCTTCGTCGCTTTAG[T>A]ACCATGCCTTTCATGTTCTGCAACATCAATAATGTTTGCAACTTTGCTTCAAGAAATGAC-3'
Protein context (NP_203699.1, residues 1510-1530): GTAGSCLRRF[Ser1520Arg]TMPFMFCNIN